The following is an entry in ClinVar:

NM_032977.4(CASP10):c.682C>T (p.Pro228Ser)

Gene: CASP10 (caspase 10; plus strand). Cytogenetic location: 2q33.1.
Variant type: single nucleotide variant.
Coding change: c.682C>T on transcript NM_032977.4 (MANE Select); coding-DNA position 682, C replaced by T.
Protein change: p.Pro228Ser; replaces proline 228 with serine.
Molecular consequence: missense variant.
Genome position (GRCh38, 1-based): chr2:201,195,946, C>T. VCF-style: chr2-201195946-C-T. GRCh37 (hg19) VCF-style: chr2-202060669-C-T.
Other names: c.682C>T, p.Pro228Ser (NM_001206524.2, NM_001206542.2, NM_001230.5 and 3 more transcripts); short protein forms P228S.
Identifiers: ClinVar variation 2929537 (VCV002929537.4), dbSNP rs370134219, ClinGen allele CA63857998.

ClinVar aggregate classification (germline): Uncertain significance. Review status: criteria provided, multiple submitters, no conflicts (2 of 4 stars). 2 submissions from 2 submitters: Uncertain significance (2). Last evaluated 2025-05-13.

Conditions:
Autoimmune lymphoproliferative syndrome type 2A (ALPS2A). Also called: Autoimmune lymphoproliferative syndrome type 2; CASP10-Related Autoimmune Lymphoproliferative Syndrome; AUTOIMMUNE LYMPHOPROLIFERATIVE SYNDROME, TYPE IIA. Identifiers: Orphanet 3261, MedGen C1858968, MONDO:0011383, OMIM 603909.

Allele frequency attached by ClinVar (database versions not stated): ESP Exome Variant Server 0.00008; gnomAD exomes below 0.00001; gnomAD 0.00002; TOPMed 0.00002.
gnomAD v4.1: 5 of 1,606,474 alleles (0.00031%); highest among the groups gnomAD compares: African/African-American, 0.0067%; no homozygotes.

Submissions (2):

Ambry Genetics
Classification: Uncertain significance. Last evaluated: 2025-05-13. Review status: criteria provided, single submitter. Criteria: Ambry Variant Classification Scheme 2023. Collection method: clinical testing. Allele origin: germline.

Labcorp Genetics (formerly Invitae), Labcorp
Classification: Uncertain significance for Autoimmune lymphoproliferative syndrome type 2A. Last evaluated: 2023-06-30. Review status: criteria provided, single submitter. Criteria: Invitae Variant Classification Sherloc (09022015). Collection method: clinical testing. Allele origin: germline.
Comment: In summary, the available evidence is currently insufficient to determine the role of this variant in disease. Therefore, it has been classified as a Variant of Uncertain Significance. Algorithms developed to predict the effect of missense changes on protein structure and function output the following: SIFT: "Not Available"; PolyPhen-2: "Benign"; Align-GVGD: "Not Available". The serine amino acid residue is found in multiple mammalian species, which suggests that this missense change does not adversely affect protein function. This variant has not been reported in the literature in individuals affected with CASP10-related conditions. This variant is present in population databases (rs370134219, gnomAD 0.008%). This sequence change replaces proline, which is neutral and non-polar, with serine, which is neutral and polar, at codon 228 of the CASP10 protein (p.Pro228Ser).